The following is an entry in ClinVar:

NM_000070.3(CAPN3):c.2115+1G>A

Gene: CAPN3 (calpain 3; plus strand). Cytogenetic location: 15q15.1.
Variant type: single nucleotide variant.
Coding change: c.2115+1G>A on transcript NM_000070.3 (MANE Select); the canonical splice donor site of the intron after coding-DNA position 2115, G replaced by A.
Molecular consequence: splice donor variant.
Genome position (GRCh38, 1-based): chr15:42,409,996, G>A. VCF-style: chr15-42409996-G-A. GRCh37 (hg19) VCF-style: chr15-42702194-G-A.
Other names: c.2097+1G>A (NM_024344.2); c.1839+1G>A (NM_173087.2); c.579+1G>A (NM_173088.2); c.120+1G>A (NM_173090.2, NM_173089.2).
Identifiers: ClinVar variation 555599 (VCV000555599.17), dbSNP rs766917640, ClinGen allele CA7511715.

ClinVar aggregate classification (germline): Likely pathogenic. Review status: criteria provided, multiple submitters, no conflicts (2 of 4 stars). 6 submissions from 6 submitters: Likely pathogenic (5). 1 of the submissions does not count toward it. Last evaluated 2024-09-16.

Conditions:
Autosomal recessive limb-girdle muscular dystrophy. Identifiers: Orphanet 102015, MedGen C2931907, MONDO:0015152.
Autosomal recessive limb-girdle muscular dystrophy type 2A (LGMDR1). Also called: Limb-girdle muscular dystrophy, type 2A; Muscular dystrophy, limb-girdle, type 2A, Amish; Calpainopathy; LEYDEN-MOEBIUS MUSCULAR DYSTROPHY; MUSCULAR DYSTROPHY, PELVOFEMORAL. Identifiers: Orphanet 267, MedGen C1869123, MONDO:0009675, OMIM 253600. Disease mechanism: loss of function.
Muscular dystrophy, limb-girdle, autosomal dominant 4. Also called: MUSCULAR DYSTROPHY, LIMB-GIRDLE, TYPE 1I; Calpain-3-related limb-girdle muscular dystrophy D4. Identifiers: Orphanet 565909, MedGen C4748295, MONDO:0029133, OMIM 618129.
CAPN3-related disorder. Also called: CAPN3-related disorders; CAPN3-related condition. Identifiers: MedGen CN239245.

Allele frequency attached by ClinVar (database versions not stated): ExAC 0.00001; gnomAD exomes 0.00001; TOPMed 0.00001.
gnomAD v4.1: 11 of 1,611,742 alleles (0.00068%); highest among the groups gnomAD compares: Admixed American, 0.0017%; no homozygotes.

Submissions (6):

Natera, Inc.
Classification: Likely pathogenic for Limb-girdle muscular dystrophy type 2A. Last evaluated: 2024-09-16. Review status: criteria provided, single submitter. Criteria: Natera Variant Classification Schema (03/2026). Collection method: clinical testing. Allele origin: germline.
Comment: The c.2115+1G>A variant in CAPN3 is a canonical splice donor site variant predicted to affect pre-mRNA splicing, which may result in an abnormal transcript and altered protein product. This variant is expected to result in nonsense mediated decay, truncation, or a dysfunctional protein product. This variant is rare in the general population with a frequency below the threshold expected for the associated phenotype(s). Given the available evidence, this variant is classified as Likely Pathogenic.

Labcorp Genetics (formerly Invitae), Labcorp
Classification: Likely pathogenic for Autosomal recessive limb-girdle muscular dystrophy type 2A. Last evaluated: 2024-06-22. Review status: criteria provided, single submitter. Criteria: Invitae Variant Classification Sherloc (09022015). Collection method: clinical testing. Allele origin: germline.
Comment: This sequence change affects a donor splice site in intron 19 of the CAPN3 gene. It is expected to disrupt RNA splicing. Variants that disrupt the donor or acceptor splice site typically lead to a loss of protein function (PMID: 16199547), and loss-of-function variants in CAPN3 are known to be pathogenic (PMID: 10330340, 15689361). This variant is present in population databases (rs766917640, gnomAD 0.003%). This variant has not been reported in the literature in individuals affected with CAPN3-related conditions. ClinVar contains an entry for this variant (Variation ID: 555599). In summary, the currently available evidence indicates that the variant is pathogenic, but additional data are needed to prove that conclusively. Therefore, this variant has been classified as Likely Pathogenic.

Women's Health and Genetics/Laboratory Corporation of America, LabCorp
Classification: Likely pathogenic for Autosomal recessive limb-girdle muscular dystrophy. Last evaluated: 2024-04-09. Review status: criteria provided, single submitter. Criteria: LabCorp Variant Classification Summary - May 2015. Collection method: clinical testing. Allele origin: germline.
Comment: Variant summary: CAPN3 c.2115+1G>A is located in a canonical splice-site and is predicted to affect mRNA splicing resulting in a significantly altered protein due to either exon skipping, shortening, or inclusion of intronic material. Computational tools predict a significant impact on normal splicing: Two predict the variant abolishes a canonical 5' splicing donor site. However, these predictions have yet to be confirmed by functional studies. The variant allele was found at a frequency of 1.2e-05 in 251208 control chromosomes (gnomAD). To our knowledge, no occurrence of c.2115+1G>A in individuals affected with Limb-Girdle Muscular Dystrophy, Autosomal Recessive and no experimental evidence demonstrating its impact on protein function have been reported. ClinVar contains an entry for this variant (Variation ID: 555599). Based on the evidence outlined above, the variant was classified as likely pathogenic.

Blueprint Genetics
Classification: Likely pathogenic for CAPN3-related disorders. Last evaluated: 2024-01-03. Review status: criteria provided, single submitter. Criteria: ACMG Guidelines, 2015. Collection method: clinical testing. Allele origin: germline. Affected: yes. Observed: 2 variant alleles.

Baylor Genetics
Classification: Likely pathogenic for Muscular dystrophy, limb-girdle, autosomal dominant 4. Last evaluated: 2023-10-18. Review status: criteria provided, single submitter. Criteria: ACMG Guidelines, 2015. Collection method: clinical testing. Allele origin: unknown.

Counsyl
Classification: Likely pathogenic for Autosomal recessive limb-girdle muscular dystrophy type 2A. Last evaluated: 2017-12-18. Review status: no assertion criteria provided. Collection method: clinical testing. Allele origin: unknown. Not counted in ClinVar's aggregate classification.

Literature cited by the submitters: PubMed 16199547 (cited by Labcorp Genetics (formerly Invitae), Labcorp); PubMed 10330340 (cited by Labcorp Genetics (formerly Invitae), Labcorp); PubMed 15689361 (cited by Labcorp Genetics (formerly Invitae), Labcorp).